The following is an entry in ClinVar:

NM_021098.3(CACNA1H):c.2789+5G>A

Gene: CACNA1H (calcium voltage-gated channel subunit alpha1 H; plus strand). Cytogenetic location: 16p13.3.
Variant type: single nucleotide variant.
Coding change: c.2789+5G>A on transcript NM_021098.3 (MANE Select); 5 bases into the intron after coding-DNA position 2789, G replaced by A.
Molecular consequence: intron variant.
Genome position (GRCh38, 1-based): chr16:1,206,294, G>A. VCF-style: chr16-1206294-G-A. GRCh37 (hg19) VCF-style: chr16-1256294-G-A.
Other names: c.2789+5G>A (NM_001005407.2).
Identifiers: ClinVar variation 1708303 (VCV001708303.2), dbSNP rs1481528865, ClinGen allele CA620697564.

ClinVar aggregate classification (germline): Uncertain significance (1 of 4 stars; one submission).

gnomAD v4.1: 10 of 1,551,644 alleles (0.00064%); highest among the groups gnomAD compares: Non-Finnish European, 0.00087%; no homozygotes.

Submission:

Centre of Medical Genetics, University Hospital Muenster
Classification: Uncertain significance. Last evaluated: 2021-12-09. Review status: criteria provided, single submitter. Criteria: ACMG Guidelines, 2015. Collection method: clinical testing. Allele origin: unknown. Affected: yes. Observed: 1 variant allele, 1 heterozygote.
Comment: ACMG categories: PM2,PP3